The following is an entry in ClinVar:

NM_015512.5(DNAH1):c.11849A>G (p.His3950Arg)

Gene: DNAH1 (dynein axonemal heavy chain 1; plus strand). Cytogenetic location: 3p21.1.
Variant type: single nucleotide variant.
Coding change: c.11849A>G on transcript NM_015512.5 (MANE Select); coding-DNA position 11849, A replaced by G.
Protein change: p.His3950Arg; replaces histidine 3950 with arginine.
Molecular consequence: missense variant.
Genome position (GRCh38, 1-based): chr3:52,397,768, A>G. VCF-style: chr3-52397768-A-G. GRCh37 (hg19) VCF-style: chr3-52431784-A-G.
Other names: short protein forms H3950R.
Identifiers: ClinVar variation 4794381 (VCV004794381.1).

ClinVar aggregate classification (germline): Uncertain significance (1 of 4 stars; one submission).

Conditions:
Spermatogenic failure 18. Identifiers: MedGen C4539783, MONDO:0054615, OMIM 617576.
Ciliary dyskinesia, primary, 37 (CILD37). Also called: CILIARY DYSKINESIA, PRIMARY, 37, WITH OR WITHOUT SITUS INVERSUS. Identifiers: MedGen C4539798, MONDO:0033204, OMIM 617577.

gnomAD v4.1: 3 of 1,613,862 alleles (0.00019%); highest among the groups gnomAD compares: Non-Finnish European, 0.00017%; no homozygotes.

Submission:

Labcorp Genetics (formerly Invitae), Labcorp
Classification: Uncertain significance for Ciliary dyskinesia, primary, 37; Spermatogenic failure 18. Last evaluated: 2026-01-13. Review status: criteria provided, single submitter. Criteria: Invitae Variant Classification Sherloc (09022015). Collection method: clinical testing. Allele origin: germline.
Comment: This sequence change replaces histidine, which is basic and polar, with arginine, which is basic and polar, at codon 3950 of the DNAH1 protein (p.His3950Arg). This variant is not present in population databases (gnomAD no frequency). This variant has not been reported in the literature in individuals affected with DNAH1-related conditions. Invitae Evidence Modeling of protein sequence and biophysical properties (such as structural, functional, and spatial information, amino acid conservation, physicochemical variation, residue mobility, and thermodynamic stability) indicates that this missense variant is expected to disrupt DNAH1 protein function with a positive predictive value of 80%. In summary, the available evidence is currently insufficient to determine the role of this variant in disease. Therefore, it has been classified as a Variant of Uncertain Significance.